The following is an entry in ClinVar:

NM_004260.4(RECQL4):c.2644G>T (p.Ala882Ser)

Gene: RECQL4 (RecQ like helicase 4; minus strand). Cytogenetic location: 8q24.3.
Variant type: single nucleotide variant.
Coding change: c.2644G>T on transcript NM_004260.4 (MANE Select); coding-DNA position 2644, G replaced by T.
Protein change: p.Ala882Ser; replaces alanine 882 with serine.
Molecular consequence: missense variant.
Genome position (GRCh38, 1-based): chr8:144,512,958, C>A on the plus strand (G>T on the coding strand, the complement: RECQL4 is on the minus strand). VCF-style: chr8-144512958-C-A. GRCh37 (hg19) VCF-style: chr8-145738341-C-A.
Other names: short protein forms A882S.
Identifiers: ClinVar variation 1015631 (VCV001015631.5), dbSNP rs771434161, ClinGen allele CA187681569.

ClinVar aggregate classification (germline): Uncertain significance (1 of 4 stars; one submission).

Conditions:
Baller-Gerold syndrome (BGS). Also called: CRANIOSYNOSTOSIS WITH RADIAL DEFECTS. Identifiers: Orphanet 1225, MedGen C0265308, MONDO:0009039, OMIM 218600.

Allele frequency attached by ClinVar (database versions not stated): gnomAD 0.00001; TOPMed 0.00002.
gnomAD v4.1: 19 of 1,572,970 alleles (0.0012%); highest among the groups gnomAD compares: Non-Finnish European, 0.0016%; no homozygotes.

Submission:

Labcorp Genetics (formerly Invitae), Labcorp
Classification: Uncertain significance for Baller-Gerold syndrome. Last evaluated: 2025-10-02. Review status: criteria provided, single submitter. Criteria: Invitae Variant Classification Sherloc (09022015). Collection method: clinical testing. Allele origin: germline.
Comment: This sequence change replaces alanine, which is neutral and non-polar, with serine, which is neutral and polar, at codon 882 of the RECQL4 protein (p.Ala882Ser). The frequency data for this variant in the population databases is considered unreliable, as metrics indicate poor data quality at this position in the gnomAD database. This variant has not been reported in the literature in individuals affected with RECQL4-related conditions. ClinVar contains an entry for this variant (Variation ID: 1015631). Experimental studies and prediction algorithms are not available or were not evaluated, and the functional significance of this variant is currently unknown. In summary, the available evidence is currently insufficient to determine the role of this variant in disease. Therefore, it has been classified as a Variant of Uncertain Significance.